The following is an entry in ClinVar:

ClinVar aggregate classification (germline): Uncertain significance. Review status: criteria provided, multiple submitters, no conflicts (2 of 4 stars). 2 submissions from 2 submitters: Uncertain significance (2). Last evaluated 2026-06-05.

Conditions:
ASIP-related condition.

gnomAD v4.1: 23 of 1,607,664 alleles (0.0014%); highest among the groups gnomAD compares: African/African-American, 0.021%; no homozygotes.

Submissions (2):

PreventionGenetics, part of Exact Sciences
Classification: Uncertain significance for ASIP-related condition. Last evaluated: 2026-06-05. Review status: criteria provided, single submitter. Criteria: ACMG Guidelines, 2015. Collection method: clinical testing. Allele origin: germline.
Comment: The ASIP c.245T>C variant is predicted to result in the amino acid substitution p.Val82Ala. To our knowledge, this variant has not been reported in the literature. This variant is reported in 0.027% of alleles in individuals of African descent in gnomAD. At this time, the clinical significance of this variant is uncertain due to the absence of conclusive functional and genetic evidence.

Ambry Genetics
Classification: Uncertain significance. Last evaluated: 2024-03-29. Review status: criteria provided, single submitter. Criteria: Ambry Variant Classification Scheme 2023. Collection method: clinical testing. Allele origin: germline.

NM_001672.3(ASIP):c.245T>C (p.Val82Ala)

Genes: AHCY (adenosylhomocysteinase; minus strand), ASIP (agouti signaling protein; plus strand). Cytogenetic location: 20q11.22.
Variant type: single nucleotide variant.
Coding change: c.245T>C on transcript NM_001672.3 (MANE Select); coding-DNA position 245, T replaced by C.
Protein change: p.Val82Ala; replaces valine 82 with alanine.
Molecular consequence: missense variant.
Genome position (GRCh38, 1-based): chr20:34,269,013, T>C. VCF-style: chr20-34269013-T-C. GRCh37 (hg19) VCF-style: chr20-32856819-T-C.
Other names: c.245T>C, p.Val82Ala (NM_001385218.1); short protein forms V82A.
Identifiers: ClinVar variation 3318239 (VCV003318239.2).